The following is an entry in ClinVar:

ClinVar aggregate classification (germline): Uncertain significance (1 of 4 stars; one submission).

Submission:

GeneDx
Classification: Uncertain significance. Last evaluated: 2024-04-05. Review status: criteria provided, single submitter. Criteria: GeneDx Variant Classification Process June 2021. Collection method: clinical testing. Allele origin: germline. Affected: yes.
Comment: In silico analysis indicates that this variant does not alter protein structure/function; Has not been previously published as pathogenic or benign to our knowledge

NM_001367479.1(DNAH14):c.667_668delinsTA (p.Gly223Tyr)

Gene: DNAH14 (dynein axonemal heavy chain 14; plus strand). Cytogenetic location: 1q42.12.
Variant type: Indel.
Coding change: c.667_668delinsTA on transcript NM_001367479.1 (MANE Select); coding-DNA positions 667 to 668, GG replaced by TA.
Protein change: p.Gly223Tyr; replaces glycine 223 with tyrosine.
Molecular consequence: missense variant.
Genome position (GRCh38, 1-based): chr1:224,968,774-224,968,775, GG replaced by TA. VCF-style: chr1-224968774-GG-TA. GRCh37 (hg19) VCF-style: chr1-225156476-GG-TA.
Other names: NM_001373.1:c.667_668delinsTA; c.667_668delinsTA, p.Gly223Tyr (NM_001145154.3, NM_001367481.1); c.598_599delinsTA, p.Gly200Tyr (NM_001349911.2); c.517_518delinsTA, p.Gly173Tyr (NM_001349912.2); short protein forms G173Y, G200Y, G223Y.
Identifiers: ClinVar variation 3372156 (VCV003372156.1).